The following is an entry in ClinVar:

ClinVar aggregate classification (germline): Uncertain significance (1 of 4 stars; one submission).

Submission:

GeneDx
Classification: Uncertain significance. Last evaluated: 2023-12-18. Review status: criteria provided, single submitter. Criteria: GeneDx Variant Classification Process June 2021. Collection method: clinical testing. Allele origin: germline. Affected: yes.
Comment: Not observed at significant frequency in large population cohorts (gnomAD); In silico analysis supports that this missense variant does not alter protein structure/function; Has not been previously published as pathogenic or benign to our knowledge

NM_007363.5(NONO):c.1198G>T (p.Ala400Ser)

Gene: NONO (non-POU domain containing octamer binding; plus strand). Cytogenetic location: Xq13.1.
Variant type: single nucleotide variant.
Coding change: c.1198G>T on transcript NM_007363.5 (MANE Select); coding-DNA position 1198, G replaced by T.
Protein change: p.Ala400Ser; replaces alanine 400 with serine.
Molecular consequence: missense variant.
Genome position (GRCh38, 1-based): chrX:71,298,733, G>T. VCF-style: chrX-71298733-G-T. GRCh37 (hg19) VCF-style: chrX-70518583-G-T.
Other names: c.1198G>T, p.Ala400Ser (NM_001145408.2, NM_001145409.2); c.931G>T, p.Ala311Ser (NM_001145410.2); short protein forms A311S, A400S.
Identifiers: ClinVar variation 3365665 (VCV003365665.1).
Genomic context (GRCh38, chrX:71,298,733, plus strand): 5'-TATCCCTTGTGCTGATCACACTACTCTGCCTTAGGTGCTATGGGCATAAACAACAGAGGT[G>T]CCATGCCCCCTGCTCCTGTGCCAGCTGGTACCCCAGCTCCTCCAGGACCTGCCACTATGA-3'
Protein context (NP_031389.3, residues 390-410): GGAMGINNRG[Ala400Ser]MPPAPVPAGT